The following is an entry in ClinVar:

ClinVar aggregate classification (germline): Uncertain significance (1 of 4 stars; one submission).

Conditions:
Inborn genetic diseases. Identifiers: MedGen C0950123, MeSH D030342.

Allele frequency attached by ClinVar (database versions not stated): TOPMed below 0.00001; ExAC 0.00001; gnomAD 0.00001.
gnomAD v4.1: 14 of 1,614,018 alleles (0.00087%); highest among the groups gnomAD compares: Non-Finnish European, 0.0012%; no homozygotes.

Submission:

Ambry Genetics
Classification: Uncertain significance for Inborn genetic diseases. Last evaluated: 2023-12-25. Review status: criteria provided, single submitter. Criteria: Ambry Variant Classification Scheme 2023. Collection method: clinical testing. Allele origin: germline.
Comment: The p.P342L variant (also known as c.1025C>T), located in coding exon 8 of the BUB1B gene, results from a C to T substitution at nucleotide position 1025. The proline at codon 342 is replaced by leucine, an amino acid with similar properties. This amino acid position is conserved. In addition, this alteration is predicted to be tolerated by in silico analysis. Since supporting evidence is limited at this time, the clinical significance of this alteration remains unclear.

NM_001211.6(BUB1B):c.1025C>T (p.Pro342Leu)

Gene: BUB1B (BUB1 mitotic checkpoint serine/threonine kinase B; plus strand). Cytogenetic location: 15q15.1.
Variant type: single nucleotide variant.
Coding change: c.1025C>T on transcript NM_001211.6 (MANE Select); coding-DNA position 1025, C replaced by T.
Protein change: p.Pro342Leu; replaces proline 342 with leucine.
Molecular consequence: missense variant.
Genome position (GRCh38, 1-based): chr15:40,185,609, C>T. VCF-style: chr15-40185609-C-T. GRCh37 (hg19) VCF-style: chr15-40477810-C-T.
Other names: short protein forms P342L.
Identifiers: ClinVar variation 1769316 (VCV001769316.2), dbSNP rs754970139, ClinGen allele CA7475631.
Genomic context (GRCh38, chr15:40,185,609, plus strand): 5'-AGCCTCGTGGCAATACAGCTTCACTGATAGCTGTACCCGCTGTGCTTCCCAGTTTCACTC[C>T]ATATGTGGAAGAGACTGCACGACAGCCAGTTATGTGAGTGTGGTTTTTGGATATTTTGAA-3'
Protein context (NP_001202.5, residues 332-352): AVPAVLPSFT[Pro342Leu]YVEETARQPV